The following is an entry in ClinVar:

ClinVar aggregate classification (germline): Pathogenic (1 of 4 stars; one submission).

Conditions:
Charcot-Marie-Tooth disease type 2. Also called: Charcot-Marie-Tooth type 2. Identifiers: Orphanet 64746, MedGen C0270914, MONDO:0018993.

Submission:

Labcorp Genetics (formerly Invitae), Labcorp
Classification: Pathogenic for Charcot-Marie-Tooth disease type 2. Last evaluated: 2022-06-17. Review status: criteria provided, single submitter. Criteria: Invitae Variant Classification Sherloc (09022015). Collection method: clinical testing. Allele origin: germline.
Comment: For these reasons, this variant has been classified as Pathogenic. Algorithms developed to predict the effect of sequence changes on RNA splicing suggest that this variant may disrupt the consensus splice site. ClinVar contains an entry for this variant (Variation ID: 959388). This variant has not been reported in the literature in individuals affected with LMNA-related conditions. This variant is not present in population databases (gnomAD no frequency). This sequence change creates a premature translational stop signal (p.Gln312*) in the LMNA gene. It is expected to result in an absent or disrupted protein product. Loss-of-function variants in LMNA are known to be pathogenic (PMID: 18585512, 18926329).

Literature cited by the submitters: PubMed 18585512; PubMed 18926329.

NM_170707.4(LMNA):c.934C>T (p.Gln312Ter)

Gene: LMNA (lamin A/C; plus strand). Cytogenetic location: 1q22.
Variant type: single nucleotide variant.
Coding change: c.934C>T on transcript NM_170707.4 (MANE Select); coding-DNA position 934, C replaced by T.
Protein change: p.Gln312Ter; replaces glutamine 312 with a stop codon.
Molecular consequence: nonsense.
Genome position (GRCh38, 1-based): chr1:156,135,310, C>T. VCF-style: chr1-156135310-C-T. GRCh37 (hg19) VCF-style: chr1-156105101-C-T.
Other names: c.598C>T, p.Gln200Ter (NM_001257374.3); c.691C>T, p.Gln231Ter (NM_001282624.2); c.934C>T, p.Gln312Ter (NM_001282625.2, NM_001282626.2, NM_005572.4 and 1 more transcripts); short protein forms Q312*, Q200*, Q231*.
Identifiers: ClinVar variation 959388 (VCV000959388.7), dbSNP rs1651466808, ClinGen allele CA342818090.